The following is an entry in ClinVar:

NM_012062.5(DNM1L):c.1942G>C (p.Glu648Gln)

Gene: DNM1L (dynamin 1 like; plus strand). Cytogenetic location: 12p11.21.
Variant type: single nucleotide variant.
Coding change: c.1942G>C on transcript NM_012062.5 (MANE Select); coding-DNA position 1942, G replaced by C.
Protein change: p.Glu648Gln; replaces glutamic acid 648 with glutamine.
Molecular consequence: missense variant.
Genome position (GRCh38, 1-based): chr12:32,740,466, G>C. VCF-style: chr12-32740466-G-C. GRCh37 (hg19) VCF-style: chr12-32893400-G-C.
Other names: c.1909G>C, p.Glu637Gln (NM_001278463.2); c.1981G>C, p.Glu661Gln (NM_001278464.2); c.1948G>C, p.Glu650Gln (NM_001278465.2); c.1333G>C, p.Glu445Gln (NM_001278466.2); c.1870G>C, p.Glu624Gln (NM_001330380.2); c.1831G>C, p.Glu611Gln (NM_005690.5); c.1864G>C, p.Glu622Gln (NM_012063.4); short protein forms E637Q, E650Q, E611Q, E622Q, E661Q, E445Q, E624Q, E648Q.
Identifiers: ClinVar variation 2524535 (VCV002524535.5), dbSNP rs369974940, ClinGen allele CA6507734.

ClinVar aggregate classification (germline): Uncertain significance. Review status: criteria provided, multiple submitters, no conflicts (2 of 4 stars). 2 submissions from 2 submitters: Uncertain significance (2). Last evaluated 2024-02-16.

Conditions:
Inborn genetic diseases. Identifiers: MedGen C0950123, MeSH D030342.

Allele frequency attached by ClinVar (database versions not stated): ExAC 0.00001; gnomAD exomes 0.00001; gnomAD 0.00004; TOPMed 0.00004; ESP Exome Variant Server 0.00008.
gnomAD v4.1: 19 of 1,613,864 alleles (0.0012%); highest among the groups gnomAD compares: Non-Finnish European, 0.0016%; no homozygotes.

Submissions (2):

Labcorp Genetics (formerly Invitae), Labcorp
Classification: Uncertain significance. Last evaluated: 2024-02-16. Review status: criteria provided, single submitter. Criteria: Invitae Variant Classification Sherloc (09022015). Collection method: clinical testing. Allele origin: germline.
Comment: This sequence change replaces glutamic acid, which is acidic and polar, with glutamine, which is neutral and polar, at codon 648 of the DNM1L protein (p.Glu648Gln). This variant is present in population databases (rs369974940, gnomAD 0.003%). This variant has not been reported in the literature in individuals affected with DNM1L-related conditions. ClinVar contains an entry for this variant (Variation ID: 2524535). An algorithm developed to predict the effect of missense changes on protein structure and function (PolyPhen-2) suggests that this variant is likely to be disruptive. In summary, the available evidence is currently insufficient to determine the role of this variant in disease. Therefore, it has been classified as a Variant of Uncertain Significance.

Ambry Genetics
Classification: Uncertain significance for Inborn genetic diseases. Last evaluated: 2023-06-06. Review status: criteria provided, single submitter. Criteria: Ambry Variant Classification Scheme 2023. Collection method: clinical testing. Allele origin: germline.